The following is an entry in ClinVar:

NM_000979.4(RPL18):c.236C>T (p.Thr79Met)

Gene: RPL18 (ribosomal protein L18; minus strand). Cytogenetic location: 19q13.33.
Variant type: single nucleotide variant.
Coding change: c.236C>T on transcript NM_000979.4 (MANE Select); coding-DNA position 236, C replaced by T.
Protein change: p.Thr79Met; replaces threonine 79 with methionine.
Molecular consequence: missense variant. On other transcripts: non-coding transcript variant (1).
Genome position (GRCh38, 1-based): chr19:48,616,787, G>A on the plus strand (C>T on the coding strand, the complement: RPL18 is on the minus strand). VCF-style: chr19-48616787-G-A. GRCh37 (hg19) VCF-style: chr19-49120044-G-A.
Other names: c.149C>T, p.Thr50Met (NM_001270490.2); short protein forms T50M, T79M.
Identifiers: ClinVar variation 2210444 (VCV002210444.6), dbSNP rs141675994, ClinGen allele CA9554133.
Genomic context (GRCh38, chr19:48,616,787, plus strand): 5'-TTCAGTTTGGGTACCTCCTGAACCCGCACATCATCAGTTATGGTCCCCACAACCACGGCC[G>A]TCTTGTTTTCCCGGCCAGGAAGCTTCATCTTCCGGATCTTAGGGTGGGGAGGATGTACGT-3'
Protein context (NP_000970.1, residues 69-89): KMKLPGRENK[Thr79Met]AVVVGTITDD

ClinVar aggregate classification (germline): Uncertain significance. Review status: criteria provided, multiple submitters, no conflicts (2 of 4 stars). 2 submissions from 2 submitters: Uncertain significance (2). Last evaluated 2025-06-18.

Allele frequency attached by ClinVar (database versions not stated): TOPMed 0.00003; gnomAD 0.00004; ExAC 0.00005; gnomAD exomes 0.00005; ESP Exome Variant Server 0.00008.
gnomAD v4.1: 82 of 1,613,798 alleles (0.0051%); highest among the groups gnomAD compares: East Asian, 0.0067%; no homozygotes.

Submissions (2):

Ambry Genetics
Classification: Uncertain significance. Last evaluated: 2025-06-18. Review status: criteria provided, single submitter. Criteria: Ambry Variant Classification Scheme 2023. Collection method: clinical testing. Allele origin: germline.

Labcorp Genetics (formerly Invitae), Labcorp
Classification: Uncertain significance. Last evaluated: 2024-10-24. Review status: criteria provided, single submitter. Criteria: Invitae Variant Classification Sherloc (09022015). Collection method: clinical testing. Allele origin: germline.
Comment: This sequence change replaces threonine, which is neutral and polar, with methionine, which is neutral and non-polar, at codon 79 of the RPL18 protein (p.Thr79Met). This variant is present in population databases (rs141675994, gnomAD 0.007%). This variant has not been reported in the literature in individuals affected with RPL18-related conditions. ClinVar contains an entry for this variant (Variation ID: 2210444). An algorithm developed to predict the effect of missense changes on protein structure and function (PolyPhen-2) suggests that this variant is likely to be disruptive. In summary, the available evidence is currently insufficient to determine the role of this variant in disease. Therefore, it has been classified as a Variant of Uncertain Significance.